The following is an entry in ClinVar:

NM_015909.4(NBAS):c.5210A>G (p.Glu1737Gly)

Gene: NBAS (NBAS subunit of NRZ tethering complex; minus strand). Cytogenetic location: 2p24.3.
Variant type: single nucleotide variant.
Coding change: c.5210A>G on transcript NM_015909.4 (MANE Select); coding-DNA position 5210, A replaced by G.
Protein change: p.Glu1737Gly; replaces glutamic acid 1737 with glycine.
Molecular consequence: missense variant. On other transcripts: non-coding transcript variant (1).
Genome position (GRCh38, 1-based): chr2:15,277,030, T>C on the plus strand (A>G on the coding strand, the complement: NBAS is on the minus strand). VCF-style: chr2-15277030-T-C. GRCh37 (hg19) VCF-style: chr2-15417154-T-C.
Other names: short protein forms E1737G.
Identifiers: ClinVar variation 1978249 (VCV001978249.1), dbSNP rs2528125770, ClinGen allele CA345884083.

ClinVar aggregate classification (germline): Uncertain significance (1 of 4 stars; one submission).

Allele frequency attached by ClinVar (database versions not stated): gnomAD exomes below 0.00001.
gnomAD v4.1: 2 of 1,613,916 alleles (0.00012%); highest among the groups gnomAD compares: African/African-American, 0.0027%; no homozygotes.

Submission:

Labcorp Genetics (formerly Invitae), Labcorp
Classification: Uncertain significance. Last evaluated: 2022-03-04. Review status: criteria provided, single submitter. Criteria: Invitae Variant Classification Sherloc (09022015). Collection method: clinical testing. Allele origin: germline.
Comment: This sequence change replaces glutamic acid, which is acidic and polar, with glycine, which is neutral and non-polar, at codon 1737 of the NBAS protein (p.Glu1737Gly). This variant is not present in population databases (gnomAD no frequency). This variant has not been reported in the literature in individuals affected with NBAS-related conditions. Algorithms developed to predict the effect of missense changes on protein structure and function (SIFT, PolyPhen-2, Align-GVGD) all suggest that this variant is likely to be disruptive. In summary, the available evidence is currently insufficient to determine the role of this variant in disease. Therefore, it has been classified as a Variant of Uncertain Significance.